The following is an entry in ClinVar:

NM_001375524.1(TRRAP):c.9592-10T>A

Gene: TRRAP (transformation/transcription domain associated protein; plus strand). Cytogenetic location: 7q22.1.
Variant type: single nucleotide variant.
Coding change: c.9592-10T>A on transcript NM_001375524.1 (MANE Select); 10 bases into the intron before coding-DNA position 9592, T replaced by A.
Molecular consequence: intron variant.
Genome position (GRCh38, 1-based): chr7:98,990,445, T>A. VCF-style: chr7-98990445-T-A. GRCh37 (hg19) VCF-style: chr7-98588068-T-A.
Other names: c.9604-10T>A (NM_001244580.2); c.9517-10T>A (NM_003496.4).
Identifiers: ClinVar variation 2706739 (VCV002706739.3), dbSNP rs754170398, ClinGen allele CA4361765.

ClinVar aggregate classification (germline): Uncertain significance (1 of 4 stars; one submission).

Allele frequency attached by ClinVar (database versions not stated): ExAC 0.00001; TOPMed 0.00001.

Submission:

Labcorp Genetics (formerly Invitae), Labcorp
Classification: Uncertain significance. Last evaluated: 2024-01-12. Review status: criteria provided, single submitter. Criteria: Invitae Variant Classification Sherloc (09022015). Collection method: clinical testing. Allele origin: germline.
Comment: This sequence change falls in intron 61 of the TRRAP gene. It does not directly change the encoded amino acid sequence of the TRRAP protein. This variant is present in population databases (rs754170398, gnomAD 0.0009%). This variant has not been reported in the literature in individuals affected with TRRAP-related conditions. Algorithms developed to predict the effect of sequence changes on RNA splicing suggest that this variant may create or strengthen a splice site. In summary, the available evidence is currently insufficient to determine the role of this variant in disease. Therefore, it has been classified as a Variant of Uncertain Significance.